The following is an entry in ClinVar:

NM_001385641.1(SAMD11):c.1938del (p.Thr648fs)

Gene: SAMD11 (sterile alpha motif domain containing 11; plus strand). Cytogenetic location: 1p36.33.
Variant type: Deletion.
Coding change: c.1938del on transcript NM_001385641.1 (MANE Select); coding-DNA position 1938, one base deleted (G; older notation c.1938delG).
Protein change: p.Thr648fs; shifts the reading frame from threonine 648.
Molecular consequence: frameshift variant.
Genome position (GRCh38, 1-based): chr1:942,943, G deleted; the last of 5 consecutive G bases (chr1:942,939-942,943); deleting any one gives the same sequence. VCF-style (leftmost placement, unchanged base first): chr1-942938-AG-A. GRCh37 (hg19) VCF-style: chr1-878318-AG-A.
Other names: c.1941del, p.Thr649fs (NM_001385640.1); c.1449del, p.Thr485fs (NM_152486.4); short protein forms T485fs, T648fs, T649fs.
Identifiers: ClinVar variation 1016485 (VCV001016485.6), dbSNP rs1233424689, ClinGen allele CA415752133.

ClinVar aggregate classification (germline): Uncertain significance (1 of 4 stars; one submission).

Submission:

Labcorp Genetics (formerly Invitae), Labcorp
Classification: Uncertain significance. Last evaluated: 2022-06-05. Review status: criteria provided, single submitter. Criteria: Invitae Variant Classification Sherloc (09022015). Collection method: clinical testing. Allele origin: germline.
Comment: This variant has not been reported in the literature in individuals affected with SAMD11-related conditions. The frequency data for this variant in the population databases is considered unreliable, as metrics indicate poor data quality at this position in the gnomAD database. This sequence change creates a premature translational stop signal (p.Thr485Leufs*40) in the SAMD11 gene. It is expected to result in an absent or disrupted protein product. However, the current clinical and genetic evidence is not sufficient to establish whether loss-of-function variants in SAMD11 cause disease. ClinVar contains an entry for this variant (Variation ID: 1016485). In summary, the available evidence is currently insufficient to determine the role of this variant in disease. Therefore, it has been classified as a Variant of Uncertain Significance.